The following is an entry in ClinVar:

ClinVar aggregate classification (germline): Uncertain significance (1 of 4 stars; one submission).

Submission:

Labcorp Genetics (formerly Invitae), Labcorp
Classification: Uncertain significance. Last evaluated: 2024-06-30. Review status: criteria provided, single submitter. Criteria: Invitae Variant Classification Sherloc (09022015). Collection method: clinical testing. Allele origin: germline.
Comment: This sequence change replaces glutamic acid, which is acidic and polar, with aspartic acid, which is acidic and polar, at codon 579 of the FLAD1 protein (p.Glu579Asp). This variant is not present in population databases (gnomAD no frequency). This variant has not been reported in the literature in individuals affected with FLAD1-related conditions. An algorithm developed to predict the effect of missense changes on protein structure and function (PolyPhen-2) suggests that this variant¬†is likely to be tolerated. In summary, the available evidence is currently insufficient to determine the role of this variant in disease. Therefore, it has been classified as a Variant of Uncertain Significance.

NM_025207.5(FLAD1):c.1737A>C (p.Glu579Asp)

Gene: FLAD1 (flavin adenine dinucleotide synthetase 1; plus strand). Cytogenetic location: 1q21.3.
Variant type: single nucleotide variant.
Coding change: c.1737A>C on transcript NM_025207.5 (MANE Select); coding-DNA position 1737, A replaced by C.
Protein change: p.Glu579Asp; replaces glutamic acid 579 with aspartic acid.
Molecular consequence: missense variant. On other transcripts: 3 prime UTR variant (1).
Genome position (GRCh38, 1-based): chr1:154,993,010, A>C. VCF-style: chr1-154993010-A-C. GRCh37 (hg19) VCF-style: chr1-154965486-A-C.
Other names: c.*220A>C (NM_001184891.2); c.1446A>C, p.Glu482Asp (NM_201398.3); short protein forms E482D, E579D.
Identifiers: ClinVar variation 3612553 (VCV003612553.1).